The following is an entry in ClinVar:

ClinVar aggregate classification (germline): Likely pathogenic (1 of 4 stars; one submission).

Conditions:
Usher syndrome. Also called: Usher Syndromes; Usher's syndrome. Identifiers: Orphanet 886, MedGen CN469326, MeSH D052245, MONDO:0019501. Disease mechanism: loss of function.

Allele frequency attached by ClinVar (database versions not stated): ExAC 0.00001.
gnomAD v4.1: 1 of 1,611,934 alleles (0.000062%); highest among the groups gnomAD compares: Non-Finnish European, 0.000085%; no homozygotes.

Submission:

Women's Health and Genetics/Laboratory Corporation of America, LabCorp
Classification: Likely pathogenic for Retinitis pigmentosa-deafness syndrome. Last evaluated: 2022-07-18. Review status: criteria provided, single submitter. Criteria: LabCorp Variant Classification Summary - May 2015. Collection method: clinical testing. Allele origin: germline.
Comment: Variant summary: ADGRV1 c.6778C>T (p.Arg2260X) results in a premature termination codon, predicted to cause a truncation of the encoded protein or absence of the protein due to nonsense mediated decay, which are commonly known mechanisms for disease. Truncations downstream of this position have been reported in affected individuals (HGMD). The variant allele was found at a frequency of 4.1e-06 in 245516 control chromosomes (gnomAD). To our knowledge, no occurrence of c.6778C>T in individuals affected with Usher Syndrome and no experimental evidence demonstrating its impact on protein function have been reported. No clinical diagnostic laboratories have submitted clinical-significance assessments for this variant to ClinVar after 2014. Based on the evidence outlined above, the variant was classified as likely pathogenic.

NM_032119.4(ADGRV1):c.6778C>T (p.Arg2260Ter)

Gene: ADGRV1 (adhesion G protein-coupled receptor V1; plus strand). Cytogenetic location: 5q14.3.
Variant type: single nucleotide variant.
Coding change: c.6778C>T on transcript NM_032119.4 (MANE Select); coding-DNA position 6778, C replaced by T.
Protein change: p.Arg2260Ter; replaces arginine 2260 with a stop codon.
Molecular consequence: nonsense. On other transcripts: non-coding transcript variant (1).
Genome position (GRCh38, 1-based): chr5:90,690,868, C>T. VCF-style: chr5-90690868-C-T. GRCh37 (hg19) VCF-style: chr5-89986685-C-T.
Other names: short protein forms R2260*.
Identifiers: ClinVar variation 1704603 (VCV001704603.1), dbSNP rs779821643, ClinGen allele CA3339873.